The following is an entry in ClinVar:

ClinVar aggregate classification (germline): Pathogenic/Likely pathogenic. Review status: criteria provided, multiple submitters, no conflicts (2 of 4 stars). 12 submissions from 11 submitters: Pathogenic (8); Likely pathogenic (3). 1 of the submissions does not count toward it. Last evaluated 2026-01-12.

Conditions:
Pendred syndrome (PDS). Also called: DEAFNESS WITH GOITER; GOITER-DEAFNESS SYNDROME; HYPOTHYROIDISM, CONGENITAL, DUE TO DYSHORMONOGENESIS, 2B; THYROID DYSHORMONOGENESIS 2B; THYROID HORMONOGENESIS, GENETIC DEFECT IN, 2B; Pendred Syndrome (PDS). Identifiers: Orphanet 705, MedGen C0271829, MONDO:0010134, OMIM 274600.
Autosomal recessive nonsyndromic hearing loss 4 (DFNB4). Also called: NEUROSENSORY NONSYNDROMIC RECESSIVE DEAFNESS 4; Enlarged vestibular aqueduct, digenic; Deafness, autosomal recessive 4, with enlarged vestibular aqueduct; Deafness, autosomal recessive 4; FOXI1-Related Pendred Syndrome; KCNJ10-Related Pendred Syndrome. Identifiers: Orphanet 90636, MedGen C3538946, MONDO:0010933, OMIM 600791.

Allele frequency attached by ClinVar (database versions not stated): gnomAD 0.00001 and 0.00002; TOPMed 0.00002; 1000 Genomes Project 0.00020; 1000 Genomes Project 30x 0.00016.
gnomAD v4.1: 9 of 1,558,586 alleles (0.00058%); highest among the groups gnomAD compares: East Asian, 0.0024%; no homozygotes.

Submissions (12):

Dasa
Classification: Likely pathogenic. Last evaluated: 2026-01-12. Review status: criteria provided, single submitter. Criteria: DASA Assertion Criteria. Collection method: clinical testing. Allele origin: germline.
Comment: NM_000441.2(SLC26A4):c.84C>A (p.Ser28Arg) is a missense variant that results in the substitution of serine with arginine. The affected residue or protein region has prior evidence supporting clinical relevance. This variant has been recurrently observed in individuals with SLC26A4-related disorders (PMID: 11919333; PMID: 15679828; PMID: 16570074; PMID: 24224479; PMID: 29739340). Functional evidence supports an impact on the gene or gene product. Also, this variant is rare in population databases. Computational evidence supports a deleterious effect. Based on the currently available evidence, this variant is classified as likely pathogenic.

Natera, Inc.
Classification: Pathogenic for Pendred syndrome. Last evaluated: 2024-09-24. Review status: criteria provided, single submitter. Criteria: Natera Variant Classification Schema (03/2026). Collection method: clinical testing. Allele origin: germline.
Comment: The c.84C>A variant in SLC26A4 is a missense variant predicted to cause substitution of serine to arginine at amino acid 28. This variant is rare in the general population with a frequency below the threshold expected for the associated phenotype(s). This variant has been observed in one or more individuals affected with the associated recessive disease, as either homozygous or compound heterozygous with a second variant (PMID: 11919333, 24341454, 24224479). Given the available evidence, this variant is classified as Pathogenic.

GeneDx
Classification: Pathogenic. Last evaluated: 2024-09-16. Review status: criteria provided, single submitter. Criteria: GeneDx Variant Classification Process June 2021. Collection method: clinical testing. Allele origin: germline. Affected: yes.
Comment: Identified with a second SLC26A4 variant in additional patients with Pendred syndrome or hearing loss with enlarged vestibular aqueduct in published literature (PMID: 16570074, 24224479); Published functional studies demonstrate a damaging effect on chloride transport and protein glycosylation (PMID: 16791000, 18310264); Not observed at significant frequency in large population cohorts (gnomAD); In silico analysis supports that this missense variant has a deleterious effect on protein structure/function; This variant is associated with the following publications: (PMID: 16914891, 31980526, 30275481, 22285650, 24341454, 19040761, 33199029, 19017801, 28941661, 27610647, 38802577, 16950989, 18310264, 24224479, 16791000, 12676893, 11919333, 16570074, 26361564, 29739340)

Fulgent Genetics
Classification: Pathogenic for Pendred syndrome; Autosomal recessive nonsyndromic hearing loss 4. Last evaluated: 2024-01-20. Review status: criteria provided, single submitter. Criteria: ACMG Guidelines, 2015. Collection method: clinical testing. Allele origin: germline.

Baylor Genetics
Classification: Pathogenic for Autosomal recessive nonsyndromic hearing loss 4. Last evaluated: 2024-01-07. Review status: criteria provided, single submitter. Criteria: ACMG Guidelines, 2015. Collection method: clinical testing. Allele origin: unknown.

Labcorp Genetics (formerly Invitae), Labcorp
Classification: Pathogenic. Last evaluated: 2023-08-29. Review status: criteria provided, single submitter. Criteria: Invitae Variant Classification Sherloc (09022015). Collection method: clinical testing. Allele origin: germline.
Comment: For these reasons, this variant has been classified as Pathogenic. Experimental studies have shown that this missense change affects SLC26A4 function (PMID: 16791000, 18310264). Advanced modeling of protein sequence and biophysical properties (such as structural, functional, and spatial information, amino acid conservation, physicochemical variation, residue mobility, and thermodynamic stability) has been performed at Invitae for this missense variant, however the output from this modeling did not meet the statistical confidence thresholds required to predict the impact of this variant on SLC26A4 protein function. ClinVar contains an entry for this variant (Variation ID: 188998). This missense change has been observed in individual(s) with Pendred syndrome (PMID: 11919333, 15679828, 16570074, 24224479, 29739340). In at least one individual the data is consistent with being in trans (on the opposite chromosome) from a pathogenic variant. It has also been observed to segregate with disease in related individuals. The frequency data for this variant in the population databases is considered unreliable, as metrics indicate poor data quality at this position in the gnomAD database. This sequence change replaces serine, which is neutral and polar, with arginine, which is basic and polar, at codon 28 of the SLC26A4 protein (p.Ser28Arg).

Genome-Nilou Lab
Classification: Likely pathogenic for Autosomal recessive nonsyndromic hearing loss 4. Last evaluated: 2021-09-05. Review status: criteria provided, single submitter. Criteria: ACMG Guidelines, 2015. Collection method: clinical testing. Allele origin: germline. Affected: no.

Genome-Nilou Lab
Classification: Likely pathogenic for Pendred syndrome. Last evaluated: 2021-09-05. Review status: criteria provided, single submitter. Criteria: ACMG Guidelines, 2015. Collection method: clinical testing. Allele origin: germline. Affected: no.

ARUP Laboratories, Molecular Genetics and Genomics, ARUP Laboratories
Classification: Pathogenic. Last evaluated: 2017-05-19. Review status: criteria provided, single submitter. Criteria: ARUP Molecular Germline Variant Investigation Process. Collection method: clinical testing. Allele origin: germline.
Comment: The c.84C>A variant (rs539699299) has been observed as a homozygote (Park 2003) or in trans with a pathogenic variant (Ladsous 2014) in patients with a clinical diagnosis of Pendred syndrome (PS). It is listed in the Genome Aggregation Database (gnomAD) browser with an overall frequency of 0.003% (identified in 1 out of 30,956 chromosomes). Additionally, a different nucleic acid change leading to the same amino acid substitution (c.82A>C; p.Ser28Arg) a different variant in same codon (c.82A>G; p.Ser28Gly) have also been identified in patients with enlarged vestibular aqueduct (EVA; Park 2005 and Okamoto 2014, respectively). Analysis of the p.Ser28Arg variant in heterologous cell culture has revealed this substitution results in defects in ion flux compared to wild-type SLC26A4 protein (Dossena 2006a, Dossena 2006b, Yoon 2008). This variant is also listed in the ClinVar database as likely pathogenic (Variation ID: 188998). Therefore, the c.84C>A variant satisfies our criteria for classification as pathogenic.

Clinical Genetics Service, Universitary Hospital 12 de Octubre
Classification: Pathogenic for Autosomal recessive nonsyndromic hearing loss 4. Review status: criteria provided, single submitter. Criteria: ACMG Guidelines, 2015. Collection method: clinical testing. Allele origin: maternal. Affected: yes.

Laboratory of Human Genetics, Institute of Biosciences - University of Sao Paulo
Classification: Pathogenic for Autosomal recessive nonsyndromic hearing loss 4. Review status: criteria provided, single submitter. Criteria: ClinGen HL ACMG Specifications v1. Collection method: research. Allele origin: germline. Inheritance: Autosomal recessive inheritance. Affected: yes. Observed: 1 compound heterozygote. Segregation with disease observed.

Counsyl
Classification: Likely pathogenic for Pendred's syndrome. Last evaluated: 2014-10-02. Review status: no assertion criteria provided. Collection method: literature only. Allele origin: unknown. Inheritance: Autosomal recessive inheritance. Not counted in ClinVar's aggregate classification.

Literature cited by the submitters: PubMed 24105851 (cited by Dasa); PubMed 29739340 (cited by 3 submitters); PubMed 15679828 (cited by 3 submitters); PubMed 16791000 (cited by 3 submitters); PubMed 16914891 (cited by Dasa and Counsyl); PubMed 11919333 (cited by 4 submitters); PubMed 16570074 (cited by Dasa and Labcorp Genetics (formerly Invitae), Labcorp); PubMed 24224479 (cited by 4 submitters); PubMed 18310264 (cited by 3 submitters); PubMed 24341454 (cited by Natera, Inc. and Counsyl); PubMed 12676893 (cited by Counsyl); PubMed 19040761 (cited by Counsyl); PubMed 22285650 (cited by Counsyl).

NM_000441.2(SLC26A4):c.84C>A (p.Ser28Arg)

Genes: SLC26A4 (solute carrier family 26 member 4; plus strand), SLC26A4-AS1 (SLC26A4 antisense RNA 1; minus strand). Cytogenetic location: 7q22.3.
Variant type: single nucleotide variant.
Coding change: c.84C>A on transcript NM_000441.2 (MANE Select); coding-DNA position 84, C replaced by A.
Protein change: p.Ser28Arg; replaces serine 28 with arginine.
Molecular consequence: missense variant. On other transcripts: non-coding transcript variant (1).
Genome position (GRCh38, 1-based): chr7:107,661,725, C>A. VCF-style: chr7-107661725-C-A. GRCh37 (hg19) VCF-style: chr7-107302170-C-A.
Other names: short protein forms S28R.
Identifiers: ClinVar variation 188998 (VCV000188998.35), dbSNP rs539699299, ClinGen allele CA274233.